The following is an entry in ClinVar:

NM_017649.5(CNNM2):c.1439G>T (p.Arg480Leu)

Gene: CNNM2 (cyclin and CBS domain divalent metal cation transport mediator 2; plus strand). Cytogenetic location: 10q24.32.
Variant type: single nucleotide variant.
Coding change: c.1439G>T on transcript NM_017649.5 (MANE Select); coding-DNA position 1439, G replaced by T.
Protein change: p.Arg480Leu; replaces arginine 480 with leucine.
Molecular consequence: missense variant.
Genome position (GRCh38, 1-based): chr10:102,919,919, G>T. VCF-style: chr10-102919919-G-T. GRCh37 (hg19) VCF-style: chr10-104679676-G-T.
Other names: c.1439G>T, p.Arg480Leu (NM_199076.3, NM_199077.3); short protein forms R480L.
Identifiers: ClinVar variation 1338900 (VCV001338900.2), dbSNP rs866823473, ClinGen allele CA377961285.

ClinVar aggregate classification (germline): Uncertain significance (1 of 4 stars; one submission).

Submission:

GeneDx
Classification: Uncertain significance. Last evaluated: 2022-01-24. Review status: criteria provided, single submitter. Criteria: GeneDx Variant Classification Process June 2021. Collection method: clinical testing. Allele origin: germline. Affected: yes.
Comment: Not observed in large population cohorts (gnomAD); In silico analysis supports that this missense variant has a deleterious effect on protein structure/function; Has not been previously published as pathogenic or benign to our knowledge